The following is an entry in ClinVar:

NM_004260.4(RECQL4):c.2428C>T (p.Gln810Ter)

Gene: RECQL4 (RecQ like helicase 4; minus strand). Cytogenetic location: 8q24.3.
Variant type: single nucleotide variant.
Coding change: c.2428C>T on transcript NM_004260.4 (MANE Select); coding-DNA position 2428, C replaced by T.
Protein change: p.Gln810Ter; replaces glutamine 810 with a stop codon.
Molecular consequence: nonsense. On other transcripts: non-coding transcript variant (3), intron variant (3).
Genome position (GRCh38, 1-based): chr8:144,513,253, G>A on the plus strand (C>T on the coding strand, the complement: RECQL4 is on the minus strand). VCF-style: chr8-144513253-G-A. GRCh37 (hg19) VCF-style: chr8-145738636-G-A.
Other names: c.2428C>T, p.Gln810Ter (NM_001413019.1, NM_001413036.1); c.2332C>T, p.Gln778Ter (NM_001413020.1); c.1357C>T, p.Gln453Ter (NM_001413021.1, NM_001413022.1, NM_001413023.1 and 5 more transcripts); c.2299C>T, p.Gln767Ter (NM_001413025.1); c.1291C>T, p.Gln431Ter (NM_001413027.1, NM_001413041.1, NM_001413030.1 and 1 more transcripts); c.1225C>T, p.Gln409Ter (NM_001413037.1); c.2398C>T, p.Gln800Ter (NM_001413039.1); c.1327C>T, p.Gln443Ter (NM_001413042.1); and 7 more; short protein forms Q321*, Q387*, Q409*, Q431*, Q443*, Q453*, Q693*, Q766*.
Identifiers: ClinVar variation 3377799 (VCV003377799.3).

ClinVar aggregate classification (germline): Pathogenic. Review status: criteria provided, multiple submitters, no conflicts (2 of 4 stars). 2 submissions from 2 submitters: Pathogenic (2). Last evaluated 2024-05-06.

Conditions:
Rothmund-Thomson syndrome type 2 (RTS2). Identifiers: Orphanet 221016, MedGen C5203410, MONDO:0016369, OMIM 268400.
Baller-Gerold syndrome (BGS). Also called: CRANIOSYNOSTOSIS WITH RADIAL DEFECTS. Identifiers: Orphanet 1225, MedGen C0265308, MONDO:0009039, OMIM 218600.

gnomAD v4.1: 1 of 1,589,776 alleles (0.000063%); highest among the groups gnomAD compares: Non-Finnish European, 0.000085%; no homozygotes.

Submissions (2):

Labcorp Genetics (formerly Invitae), Labcorp
Classification: Pathogenic for Baller-Gerold syndrome. Last evaluated: 2024-05-06. Review status: criteria provided, single submitter. Criteria: Invitae Variant Classification Sherloc (09022015). Collection method: clinical testing. Allele origin: germline.
Comment: This sequence change creates a premature translational stop signal (p.Gln810*) in the RECQL4 gene. It is expected to result in an absent or disrupted protein product. Loss-of-function variants in RECQL4 are known to be pathogenic (PMID: 12734318, 12952869). This variant is not present in population databases (gnomAD no frequency). This premature translational stop signal has been observed in individual(s) with Rothmund–Thomson syndrome (PMID: 12734318). Algorithms developed to predict the effect of sequence changes on RNA splicing suggest that this variant may disrupt the consensus splice site. For these reasons, this variant has been classified as Pathogenic.

St. Jude Molecular Pathology, St. Jude Children's Research Hospital
Classification: Pathogenic for Rothmund-Thomson syndrome type 2. Last evaluated: 2024-01-29. Review status: criteria provided, single submitter. Criteria: St. Jude Assertion Criteria 2020. Collection method: clinical testing. Allele origin: germline.
Comment: The RECQL4 c.2428C>T (p.Gln810Ter) change is a nonsense variant that is predicted to cause premature protein truncation or absence of protein due to nonsense-mediated decay. This variant has been reported in the homozygous state in an individual with Rothmund–Thomson syndrome (PMID: 12734318). This variant is also absent in gnomAD v2.1.1. In summary, this variant meets criteria to be classified as pathogenic.

Literature cited by the submitters: PubMed 12734318 (cited by Labcorp Genetics (formerly Invitae), Labcorp); PubMed 12952869 (cited by Labcorp Genetics (formerly Invitae), Labcorp).